The following is an entry in ClinVar:

ClinVar aggregate classification (germline): Uncertain significance (1 of 4 stars; one submission).

Conditions:
Fanconi anemia (FA). Also called: Fanconi's anemia. Identifiers: Orphanet 84, MedGen C0015625, MeSH D005199, MONDO:0019391.

Submission:

Labcorp Genetics (formerly Invitae), Labcorp
Classification: Uncertain significance for Fanconi anemia. Last evaluated: 2018-10-23. Review status: criteria provided, single submitter. Criteria: Invitae Variant Classification Sherloc (09022015). Collection method: clinical testing. Allele origin: germline.
Comment: In summary, the available evidence is currently insufficient to determine the role of this variant in disease. Therefore, it has been classified as a Variant of Uncertain Significance. Algorithms developed to predict the effect of missense changes on protein structure and function output the following: SIFT: "Tolerated"; PolyPhen-2: "Probably Damaging"; Align-GVGD: "Class C0". The histidine amino acid residue is found in multiple mammalian species, suggesting that this missense change does not adversely affect protein function. These predictions have not been confirmed by published functional studies and their clinical significance is uncertain. This variant has not been reported in the literature in individuals with FANCM-related disease. This variant is not present in population databases (ExAC no frequency). This sequence change replaces asparagine with histidine at codon 1378 of the FANCM protein (p.Asn1378His). The asparagine residue is weakly conserved and there is a small physicochemical difference between asparagine and histidine.

NM_020937.4(FANCM):c.4132A>C (p.Asn1378His)

Gene: FANCM (FA complementation group M; plus strand). Cytogenetic location: 14q21.2.
Variant type: single nucleotide variant.
Coding change: c.4132A>C on transcript NM_020937.4 (MANE Select); coding-DNA position 4132, A replaced by C.
Protein change: p.Asn1378His; replaces asparagine 1378 with histidine.
Molecular consequence: missense variant.
Genome position (GRCh38, 1-based): chr14:45,176,886, A>C. VCF-style: chr14-45176886-A-C. GRCh37 (hg19) VCF-style: chr14-45646089-A-C.
Other names: c.4132A>C (LRG_502t1); c.4054A>C, p.Asn1352His (NM_001308133.2); short protein forms N1378H, N1352H.
Identifiers: ClinVar variation 657786 (VCV000657786.8), dbSNP rs1594800247, ClinGen allele CA389604445.